The following is an entry in ClinVar:

ClinVar aggregate classification (germline): Uncertain significance (1 of 4 stars; one submission).

gnomAD v4.1: 1 of 1,614,164 alleles (0.000062%); highest among the groups gnomAD compares: South Asian, 0.0011%; no homozygotes.

Submission:

GeneDx
Classification: Uncertain significance. Last evaluated: 2025-08-04. Review status: criteria provided, single submitter. Criteria: GeneDx Variant Classification Process June 2021. Collection method: clinical testing. Allele origin: germline.
Comment: Not observed at significant frequency in large population cohorts (gnomAD); In silico analysis indicates that this missense variant does not alter protein structure/function; Has not been previously published as pathogenic or benign to our knowledge

NM_001001331.4(ATP2B2):c.2806C>G (p.Leu936Val)

Gene: ATP2B2 (ATPase plasma membrane Ca2+ transporting 2; minus strand). Cytogenetic location: 3p25.3.
Variant type: single nucleotide variant.
Coding change: c.2806C>G on transcript NM_001001331.4 (MANE Select); coding-DNA position 2806, C replaced by G.
Protein change: p.Leu936Val; replaces leucine 936 with valine.
Molecular consequence: missense variant.
Genome position (GRCh38, 1-based): chr3:10,342,863, G>C on the plus strand (C>G on the coding strand, the complement: ATP2B2 is on the minus strand). VCF-style: chr3-10342863-G-C. GRCh37 (hg19) VCF-style: chr3-10384547-G-C.
Other names: c.2671C>G, p.Leu891Val (NM_001330611.3, NM_001353564.1, NM_001363862.1 and 1 more transcripts); short protein forms L891V, L936V.
Identifiers: ClinVar variation 3391633 (VCV003391633.2).